The following is an entry in ClinVar:

NM_001447.3(FAT2):c.11792C>T (p.Thr3931Met)

Genes: FAT2 (FAT atypical cadherin 2; minus strand), SLC36A1 (solute carrier family 36 member 1; plus strand). Cytogenetic location: 5q33.1.
Variant type: single nucleotide variant.
Coding change: c.11792C>T on transcript NM_001447.3 (MANE Select); coding-DNA position 11792, C replaced by T.
Protein change: p.Thr3931Met; replaces threonine 3931 with methionine.
Molecular consequence: missense variant.
Genome position (GRCh38, 1-based): chr5:151,512,278, G>A on the plus strand (C>T on the coding strand, the complement: FAT2 is on the minus strand). VCF-style: chr5-151512278-G-A. GRCh37 (hg19) VCF-style: chr5-150891839-G-A.
Other names: c.11792C>T (NM_001447.2); short protein forms T3931M.
Identifiers: ClinVar variation 2421867 (VCV002421867.12), dbSNP rs140427755, ClinGen allele CA3519938.

ClinVar aggregate classification (germline): Uncertain significance. Review status: criteria provided, multiple submitters, no conflicts (2 of 4 stars). 3 submissions from 3 submitters: Uncertain significance (3). Last evaluated 2025-07-14.

Conditions:
Spinocerebellar ataxia 45. Identifiers: Orphanet 589527, MedGen C4540400, MONDO:0033480, OMIM 617769.

Allele frequency attached by ClinVar (database versions not stated): ExAC 0.00001; gnomAD exomes 0.00003; gnomAD 0.00005; TOPMed 0.00006; ESP Exome Variant Server 0.00008.
gnomAD v4.1: 48 of 1,614,118 alleles (0.003%); highest among the groups gnomAD compares: African/African-American, 0.013%; no homozygotes.

Submissions (3):

Labcorp Genetics (formerly Invitae), Labcorp
Classification: Uncertain significance. Last evaluated: 2025-07-14. Review status: criteria provided, single submitter. Criteria: Invitae Variant Classification Sherloc (09022015). Collection method: clinical testing. Allele origin: germline.
Comment: This sequence change replaces threonine, which is neutral and polar, with methionine, which is neutral and non-polar, at codon 3931 of the FAT2 protein (p.Thr3931Met). This variant is present in population databases (rs140427755, gnomAD 0.01%). This variant has not been reported in the literature in individuals affected with FAT2-related conditions. ClinVar contains an entry for this variant (Variation ID: 2421867). An algorithm developed to predict the effect of missense changes on protein structure and function (PolyPhen-2) suggests that this variant is likely to be tolerated. In summary, the available evidence is currently insufficient to determine the role of this variant in disease. Therefore, it has been classified as a Variant of Uncertain Significance.

Ambry Genetics
Classification: Uncertain significance. Last evaluated: 2023-06-22. Review status: criteria provided, single submitter. Criteria: Ambry Variant Classification Scheme 2023. Collection method: clinical testing. Allele origin: germline.

Revvity Omics, Revvity
Classification: Uncertain significance for Spinocerebellar ataxia 45. Last evaluated: 2022-06-02. Review status: criteria provided, single submitter. Criteria: ACMG Guidelines, 2015. Collection method: clinical testing. Allele origin: germline.